The following is an entry in ClinVar:

NM_014991.6(WDFY3):c.5054C>A (p.Thr1685Lys)

Gene: WDFY3 (WD repeat and FYVE domain containing 3; minus strand). Cytogenetic location: 4q21.23.
Variant type: single nucleotide variant.
Coding change: c.5054C>A on transcript NM_014991.6 (MANE Select); coding-DNA position 5054, C replaced by A.
Protein change: p.Thr1685Lys; replaces threonine 1685 with lysine.
Molecular consequence: missense variant.
Genome position (GRCh38, 1-based): chr4:84,765,944, G>T on the plus strand (C>A on the coding strand, the complement: WDFY3 is on the minus strand). VCF-style: chr4-84765944-G-T. GRCh37 (hg19) VCF-style: chr4-85687097-G-T.
Other names: short protein forms T1685K.
Identifiers: ClinVar variation 3781226 (VCV003781226.1).

ClinVar aggregate classification (germline): Uncertain significance (1 of 4 stars; one submission).

gnomAD v4.1: 1 of 1,614,006 alleles (0.000062%); highest among the groups gnomAD compares: Non-Finnish European, 0.000085%; no homozygotes.

Submission:

GeneDx
Classification: Uncertain significance. Last evaluated: 2024-10-17. Review status: criteria provided, single submitter. Criteria: GeneDx Variant Classification Process June 2021. Collection method: clinical testing. Allele origin: germline. Affected: yes.
Comment: Not observed at significant frequency in large population cohorts (gnomAD); In silico analysis supports that this missense variant has a deleterious effect on protein structure/function; Has not been previously published as pathogenic or benign to our knowledge